The following is an entry in ClinVar:

NM_000051.4(ATM):c.4252A>G (p.Ile1418Val)

Gene: ATM (ATM serine/threonine kinase; plus strand). Cytogenetic location: 11q22.3.
Variant type: single nucleotide variant.
Coding change: c.4252A>G on transcript NM_000051.4 (MANE Select); coding-DNA position 4252, A replaced by G.
Protein change: p.Ile1418Val; replaces isoleucine 1418 with valine.
Molecular consequence: missense variant.
Genome position (GRCh38, 1-based): chr11:108,289,617, A>G. VCF-style: chr11-108289617-A-G. GRCh37 (hg19) VCF-style: chr11-108160344-A-G.
Other names: c.4252A>G, p.Ile1418Val (NM_001351834.2); short protein forms I1418V.
Identifiers: ClinVar variation 2568215 (VCV002568215.2), dbSNP rs2546908548, ClinGen allele CA382531073.

ClinVar aggregate classification (germline): Uncertain significance (1 of 4 stars; one submission).

Conditions:
Hereditary cancer-predisposing syndrome. Also called: Hereditary neoplastic syndrome; Hereditary Cancer Syndrome; Neoplastic Syndromes, Hereditary; Tumor predisposition. Identifiers: Orphanet 140162, MedGen C0027672, MeSH D009386, MONDO:0015356.

Submission:

Ambry Genetics
Classification: Uncertain significance for Hereditary cancer-predisposing syndrome. Last evaluated: 2023-05-07. Review status: criteria provided, single submitter. Criteria: Ambry Variant Classification Scheme 2023. Collection method: clinical testing. Allele origin: germline.
Comment: The p.I1418V variant (also known as c.4252A>G), located in coding exon 28 of the ATM gene, results from an A to G substitution at nucleotide position 4252. The isoleucine at codon 1418 is replaced by valine, an amino acid with highly similar properties. This amino acid position is conserved. In addition, the in silico prediction for this alteration is inconclusive. Since supporting evidence is limited at this time, the clinical significance of this alteration remains unclear.